The following is an entry in ClinVar:

NM_003079.5(SMARCE1):c.627G>C (p.Glu209Asp)

Gene: SMARCE1 (SWI/SNF related BAF chromatin remodeling complex subunit E1; minus strand). Cytogenetic location: 17q21.2.
Variant type: single nucleotide variant.
Coding change: c.627G>C on transcript NM_003079.5 (MANE Select); coding-DNA position 627, G replaced by C.
Protein change: p.Glu209Asp; replaces glutamic acid 209 with aspartic acid.
Molecular consequence: missense variant.
Genome position (GRCh38, 1-based): chr17:40,632,282, C>G on the plus strand (G>C on the coding strand, the complement: SMARCE1 is on the minus strand). VCF-style: chr17-40632282-C-G. GRCh37 (hg19) VCF-style: chr17-38788534-C-G.
Other names: short protein forms E209D.
Identifiers: ClinVar variation 2714465 (VCV002714465.3), dbSNP rs2508598413, ClinGen allele CA399364719.

ClinVar aggregate classification (germline): Uncertain significance (1 of 4 stars; one submission).

Conditions:
Familial meningioma. Also called: Meningioma, familial, susceptibility to. Identifiers: Orphanet 263662, MedGen C3551915, MONDO:0011789, OMIM 607174.

Allele frequency attached by ClinVar (database versions not stated): gnomAD exomes below 0.00001.
gnomAD v4.1: 4 of 1,614,032 alleles (0.00025%); highest among the groups gnomAD compares: Non-Finnish European, 0.00034%; no homozygotes.

Submission:

Labcorp Genetics (formerly Invitae), Labcorp
Classification: Uncertain significance for Familial meningioma. Last evaluated: 2024-04-10. Review status: criteria provided, single submitter. Criteria: Invitae Variant Classification Sherloc (09022015). Collection method: clinical testing. Allele origin: germline.
Comment: This sequence change replaces glutamic acid, which is acidic and polar, with aspartic acid, which is acidic and polar, at codon 209 of the SMARCE1 protein (p.Glu209Asp). This variant is not present in population databases (gnomAD no frequency). This variant has not been reported in the literature in individuals affected with SMARCE1-related conditions. Advanced modeling of protein sequence and biophysical properties (such as structural, functional, and spatial information, amino acid conservation, physicochemical variation, residue mobility, and thermodynamic stability) performed at Invitae indicates that this missense variant is not expected to disrupt SMARCE1 protein function with a negative predictive value of 80%. In summary, the available evidence is currently insufficient to determine the role of this variant in disease. Therefore, it has been classified as a Variant of Uncertain Significance.